The following is an entry in ClinVar:

NM_016042.4(EXOSC3):c.352A>G (p.Ile118Val)

Gene: EXOSC3 (exosome component 3; minus strand). Cytogenetic location: 9p13.2.
Variant type: single nucleotide variant.
Coding change: c.352A>G on transcript NM_016042.4 (MANE Select); coding-DNA position 352, A replaced by G.
Protein change: p.Ile118Val; replaces isoleucine 118 with valine.
Molecular consequence: missense variant.
Genome position (GRCh38, 1-based): chr9:37,784,036, T>C on the plus strand (A>G on the coding strand, the complement: EXOSC3 is on the minus strand). VCF-style: chr9-37784036-T-C. GRCh37 (hg19) VCF-style: chr9-37784033-T-C.
Other names: c.352A>G, p.Ile118Val (NM_001002269.2); short protein forms I118V.
Identifiers: ClinVar variation 1713919 (VCV001713919.5), dbSNP rs2489888511, ClinGen allele CA373475533.

ClinVar aggregate classification (germline): Uncertain significance (1 of 4 stars; one submission).

Conditions:
Pontocerebellar hypoplasia type 1B. Also called: EXOSC3 Pontocerebellar Hypoplasia. Identifiers: Orphanet 2254, MedGen C3553449, MONDO:0013853, OMIM 614678.

Submission:

Labcorp Genetics (formerly Invitae), Labcorp
Classification: Uncertain significance for Pontocerebellar hypoplasia type 1B. Last evaluated: 2022-08-01. Review status: criteria provided, single submitter. Criteria: Invitae Variant Classification Sherloc (09022015). Collection method: clinical testing. Allele origin: germline.
Comment: Algorithms developed to predict the effect of missense changes on protein structure and function are either unavailable or do not agree on the potential impact of this missense change (SIFT: "Tolerated"; PolyPhen-2: "Possibly Damaging"; Align-GVGD: "Class C15"). This sequence change replaces isoleucine, which is neutral and non-polar, with valine, which is neutral and non-polar, at codon 118 of the EXOSC3 protein (p.Ile118Val). This variant is not present in population databases (gnomAD no frequency). This variant has not been reported in the literature in individuals affected with EXOSC3-related conditions. In summary, the available evidence is currently insufficient to determine the role of this variant in disease. Therefore, it has been classified as a Variant of Uncertain Significance.